The following is an entry in ClinVar:

ClinVar aggregate classification (germline): Conflicting classifications of pathogenicity. Review status: criteria provided, conflicting classifications (1 of 4 stars). 3 submissions from 3 submitters: Uncertain significance (1); Likely benign (2). Last evaluated 2026-01-07.

Conditions:
Hereditary cancer-predisposing syndrome. Also called: Hereditary Cancer Syndrome; Hereditary neoplastic syndrome; Tumor predisposition; Neoplastic Syndromes, Hereditary. Identifiers: Orphanet 140162, MedGen C0027672, MeSH D009386, MONDO:0015356.
Gorlin syndrome. Also called: Basal cell nevus syndrome; Nevoid Basal Cell Carcinoma Syndrome. Identifiers: Orphanet 377, MedGen C0004779, MONDO:0007187.
Medulloblastoma (MDB). Also called: Medulloblastoma, somatic; MEDULLOBLASTOMA PREDISPOSITION SYNDROME. Identifiers: Orphanet 616, MedGen C0025149, MeSH D008527, MONDO:0007959, OMIM 155255, HP:0002885.

Allele frequency attached by ClinVar (database versions not stated): gnomAD 0.00001; TOPMed 0.00001; ExAC 0.00002; gnomAD exomes 0.00002.
gnomAD v4.1: 36 of 1,614,008 alleles (0.0022%); highest among the groups gnomAD compares: Non-Finnish European, 0.0029%; no homozygotes.

Submissions (3):

Labcorp Genetics (formerly Invitae), Labcorp
Classification: Likely benign for Gorlin syndrome; Medulloblastoma. Last evaluated: 2026-01-07. Review status: criteria provided, single submitter. Criteria: Invitae Variant Classification Sherloc (09022015). Collection method: clinical testing. Allele origin: germline.

Quest Diagnostics Nichols Institute San Juan Capistrano
Classification: Uncertain significance. Last evaluated: 2024-10-11. Review status: criteria provided, single submitter. Criteria: Quest Diagnostics criteria. Collection method: clinical testing. Allele origin: unknown.
Comment: The SUFU c.1005C>T (p.Leu335=) synonymous variant has not been reported in individuals with SUFU-related conditions in the published literature. The frequency of this variant in the general population, 0.000026 (3/113592 chromosomes (Genome Aggregation Database)), is uninformative in the assessment of its pathogenicity. Analysis of this variant using software algorithms for the prediction of the effect of nucleotide changes on splicing yielded predictions that this variant does not affect SUFU mRNA splicing. Based on the available information, we are unable to determine the clinical significance of this variant.

Ambry Genetics
Classification: Likely benign for Hereditary cancer-predisposing syndrome. Last evaluated: 2021-06-08. Review status: criteria provided, single submitter. Criteria: Ambry Variant Classification Scheme 2023. Collection method: clinical testing. Allele origin: germline.

NM_016169.4(SUFU):c.1005C>T (p.Leu335=)

Gene: SUFU (SUFU negative regulator of hedgehog signaling; plus strand). Cytogenetic location: 10q24.32.
Variant type: single nucleotide variant.
Coding change: c.1005C>T on transcript NM_016169.4 (MANE Select); coding-DNA position 1005, C replaced by T.
Protein change: p.Leu335=; no amino-acid change (leucine 335 retained).
Molecular consequence: synonymous variant.
Genome position (GRCh38, 1-based): chr10:102,599,527, C>T. VCF-style: chr10-102599527-C-T. GRCh37 (hg19) VCF-style: chr10-104359284-C-T.
Other names: c.1005C>T, p.Leu335= (NM_001178133.2).
Identifiers: ClinVar variation 453946 (VCV000453946.15), dbSNP rs575246362, ClinGen allele CA5667833.